The following is an entry in ClinVar:

ClinVar aggregate classification (germline): Uncertain significance. Review status: criteria provided, multiple submitters, no conflicts (2 of 4 stars). 3 submissions from 3 submitters: Uncertain significance (3). Last evaluated 2025-11-13.

Allele frequency attached by ClinVar (database versions not stated): gnomAD exomes 0.00005 and 0.00013; gnomAD 0.00006 and 0.00009; ExAC 0.00007; TOPMed 0.00008.

Submissions (3):

Ambry Genetics
Classification: Uncertain significance. Last evaluated: 2025-11-13. Review status: criteria provided, single submitter. Criteria: Ambry Variant Classification Scheme 2023. Collection method: clinical testing. Allele origin: germline.

Labcorp Genetics (formerly Invitae), Labcorp
Classification: Uncertain significance. Last evaluated: 2025-06-23. Review status: criteria provided, single submitter. Criteria: Invitae Variant Classification Sherloc (09022015). Collection method: clinical testing. Allele origin: germline.
Comment: This sequence change replaces valine, which is neutral and non-polar, with isoleucine, which is neutral and non-polar, at codon 798 of the DHX38 protein (p.Val798Ile). This variant is present in population databases (rs201198441, gnomAD 0.007%). This variant has not been reported in the literature in individuals affected with DHX38-related conditions. ClinVar contains an entry for this variant (Variation ID: 1041648). Invitae Evidence Modeling of protein sequence and biophysical properties (such as structural, functional, and spatial information, amino acid conservation, physicochemical variation, residue mobility, and thermodynamic stability) indicates that this missense variant is not expected to disrupt DHX38 protein function with a negative predictive value of 80%. In summary, the available evidence is currently insufficient to determine the role of this variant in disease. Therefore, it has been classified as a Variant of Uncertain Significance.

Blueprint Genetics
Classification: Uncertain significance. Last evaluated: 2022-05-18. Review status: criteria provided, single submitter. Criteria: ACMG Guidelines, 2015. Collection method: clinical testing. Allele origin: germline.

NM_014003.4(DHX38):c.2392G>A (p.Val798Ile)

Gene: DHX38 (DEAH-box helicase 38; plus strand). Cytogenetic location: 16q22.2.
Variant type: single nucleotide variant.
Coding change: c.2392G>A on transcript NM_014003.4 (MANE Select); coding-DNA position 2392, G replaced by A.
Protein change: p.Val798Ile; replaces valine 798 with isoleucine.
Molecular consequence: missense variant.
Genome position (GRCh38, 1-based): chr16:72,105,529, G>A. VCF-style: chr16-72105529-G-A. GRCh37 (hg19) VCF-style: chr16-72139428-G-A.
Other names: c.2392G>A (NM_014003.3); short protein forms V798I.
Identifiers: ClinVar variation 1041648 (VCV001041648.7), dbSNP rs201198441, ClinGen allele CA8160644.
Genomic context (GRCh38, chr16:72,105,529, plus strand): 5'-TCCTGTCTCGAGGGACTCATTTTTCCCTTCCTGTATGTCCTGCTCTAGGCTCCAGATGGC[G>A]TTCGGAAGTGCATCGTTGCCACCAATATTGCCGAGACGTCTCTCACTGTTGACGGCATCA-3'
Protein context (NP_054722.2, residues 788-808): AKIFQKAPDG[Val798Ile]RKCIVATNIA